The following is an entry in ClinVar:

ClinVar aggregate classification (germline): Uncertain significance (1 of 4 stars; one submission).

Conditions:
Parathyroid carcinoma (PRTC). Also called: Parathyroid gland carcinoma; CDC73-Related Parathyroid Carcinoma. Identifiers: Orphanet 143, MedGen C0687150, MONDO:0012004, OMIM 608266, HP:0006780.

gnomAD v4.1: 1 of 1,613,282 alleles (0.000062%); no homozygotes.

Submission:

Labcorp Genetics (formerly Invitae), Labcorp
Classification: Uncertain significance for Parathyroid carcinoma. Last evaluated: 2024-04-13. Review status: criteria provided, single submitter. Criteria: Invitae Variant Classification Sherloc (09022015). Collection method: clinical testing. Allele origin: germline.
Comment: This sequence change replaces proline, which is neutral and non-polar, with threonine, which is neutral and polar, at codon 343 of the CDC73 protein (p.Pro343Thr). This variant is not present in population databases (gnomAD no frequency). This variant has not been reported in the literature in individuals affected with CDC73-related conditions. Advanced modeling of protein sequence and biophysical properties (such as structural, functional, and spatial information, amino acid conservation, physicochemical variation, residue mobility, and thermodynamic stability) performed at Invitae indicates that this missense variant is not expected to disrupt CDC73 protein function with a negative predictive value of 80%. In summary, the available evidence is currently insufficient to determine the role of this variant in disease. Therefore, it has been classified as a Variant of Uncertain Significance.

NM_024529.5(CDC73):c.1027C>A (p.Pro343Thr)

Gene: CDC73 (cell division cycle 73; plus strand). Cytogenetic location: 1q31.2.
Variant type: single nucleotide variant.
Coding change: c.1027C>A on transcript NM_024529.5 (MANE Select); coding-DNA position 1027, C replaced by A.
Protein change: p.Pro343Thr; replaces proline 343 with threonine.
Molecular consequence: missense variant.
Genome position (GRCh38, 1-based): chr1:193,203,849, C>A. VCF-style: chr1-193203849-C-A. GRCh37 (hg19) VCF-style: chr1-193172979-C-A.
Other names: short protein forms P343T.
Identifiers: ClinVar variation 3617540 (VCV003617540.2).